The following is an entry in ClinVar:

ClinVar aggregate classification (germline): Uncertain significance. Review status: criteria provided, multiple submitters, no conflicts (2 of 4 stars). 2 submissions from 2 submitters: Uncertain significance (2). Last evaluated 2023-08-10.

Conditions:
Cardiovascular phenotype. Identifiers: MedGen CN230736.
Hereditary cancer-predisposing syndrome. Also called: Neoplastic Syndromes, Hereditary; Hereditary Cancer Syndrome; Hereditary neoplastic syndrome; Tumor predisposition. Identifiers: Orphanet 140162, MedGen C0027672, MeSH D009386, MONDO:0015356.
Neurofibromatosis, type 1 (NF1). Also called: Neurofibromatosis, type I; VON RECKLINGHAUSEN DISEASE; Peripheral type neurofibromatosis; NEUROFIBROMATOSIS, TYPE I, SOMATIC. Identifiers: Orphanet 636, MedGen C0027831, MONDO:0018975, OMIM 162200. Disease mechanism: loss of function.

Submissions (2):

Labcorp Genetics (formerly Invitae), Labcorp
Classification: Uncertain significance for Neurofibromatosis, type 1. Last evaluated: 2023-08-10. Review status: criteria provided, single submitter. Criteria: Invitae Variant Classification Sherloc (09022015). Collection method: clinical testing. Allele origin: germline.
Comment: In summary, the available evidence is currently insufficient to determine the role of this variant in disease. Therefore, it has been classified as a Variant of Uncertain Significance. This sequence change replaces valine, which is neutral and non-polar, with methionine, which is neutral and non-polar, at codon 7 of the NF1 protein (p.Val7Met). This variant is not present in population databases (gnomAD no frequency). This variant has not been reported in the literature in individuals affected with NF1-related conditions. ClinVar contains an entry for this variant (Variation ID: 847843). Advanced modeling of protein sequence and biophysical properties (such as structural, functional, and spatial information, amino acid conservation, physicochemical variation, residue mobility, and thermodynamic stability) has been performed at Invitae for this missense variant, however the output from this modeling did not meet the statistical confidence thresholds required to predict the impact of this variant on NF1 protein function.

Ambry Genetics
Classification: Uncertain significance for Cardiovascular phenotype; Hereditary cancer-predisposing syndrome. Last evaluated: 2023-05-25. Review status: criteria provided, single submitter. Criteria: Ambry Variant Classification Scheme 2023. Collection method: clinical testing. Allele origin: germline.
Comment: The p.V7M variant (also known as c.19G>A), located in coding exon 1 of the NF1 gene, results from a G to A substitution at nucleotide position 19. The valine at codon 7 is replaced by methionine, an amino acid with highly similar properties. This amino acid position is highly conserved in available vertebrate species. In addition, this alteration is predicted to be tolerated by in silico analysis. Since supporting evidence is limited at this time, the clinical significance of this alteration remains unclear.

NM_001042492.3(NF1):c.19G>A (p.Val7Met)

Genes: MIR4733HG (MIR4733 host gene; minus strand), NF1 (neurofibromin 1; plus strand), LOC111811965 (NF1 (neurofibromin 1) promoter region; plus strand). Cytogenetic location: 17q11.2.
Variant type: single nucleotide variant.
Coding change: c.19G>A on transcript NM_001042492.3 (MANE Select); coding-DNA position 19, G replaced by A.
Protein change: p.Val7Met; replaces valine 7 with methionine.
Molecular consequence: missense variant. On other transcripts: non-coding transcript variant (1).
Genome position (GRCh38, 1-based): chr17:31,095,328, G>A. VCF-style: chr17-31095328-G-A. GRCh37 (hg19) VCF-style: chr17-29422346-G-A.
Other names: c.19G>A, p.Val7Met (NM_001128147.3, NM_000267.4); short protein forms V7M.
Identifiers: ClinVar variation 847843 (VCV000847843.8), dbSNP rs1911552278, ClinGen allele CA398979228.